The following is an entry in ClinVar:

ClinVar aggregate classification (germline): Benign. Review status: criteria provided, multiple submitters, no conflicts (2 of 4 stars). 3 submissions from 3 submitters: Benign (3). Last evaluated 2026-02-02.

Allele frequency attached by ClinVar (database versions not stated): 1000 Genomes Project 0.03275; 1000 Genomes Project 30x 0.03467; ExAC 0.04182; gnomAD exomes 0.04200 and 0.04959; TOPMed 0.04676; gnomAD 0.04870 and 0.05011; ESP Exome Variant Server 0.05244.
gnomAD v4.1: 78,833 of 1,599,272 alleles (4.9%); highest among the groups gnomAD compares: Non-Finnish European, 5.4%; 2,123 homozygotes.

Submissions (3):

Labcorp Genetics (formerly Invitae), Labcorp
Classification: Benign. Last evaluated: 2026-02-02. Review status: criteria provided, single submitter. Criteria: Invitae Variant Classification Sherloc (09022015). Collection method: clinical testing. Allele origin: germline.

GeneDx
Classification: Benign. Last evaluated: 2011-07-18. Review status: criteria provided, single submitter. Criteria: GeneDx Variant Classification (06012015). Collection method: clinical testing. Allele origin: germline. Affected: yes.
Comment: This variant is considered likely benign or benign based on one or more of the following criteria: it is a conservative change, it occurs at a poorly conserved position in the protein, it is predicted to be benign by multiple in silico algorithms, and/or has population frequency not consistent with disease.

Breakthrough Genomics
Classification: Benign. Review status: criteria provided, single submitter. Criteria: ACMG Guidelines, 2015. Collection method: not provided. Allele origin: germline. Inheritance: Autosomal recessive inheritance. Affected: yes.

NM_000283.4(PDE6B):c.1467+20C>T

Gene: PDE6B (phosphodiesterase 6B; plus strand). Cytogenetic location: 4p16.3.
Variant type: single nucleotide variant.
Coding change: c.1467+20C>T on transcript NM_000283.4 (MANE Select); 20 bases into the intron after coding-DNA position 1467, C replaced by T.
Molecular consequence: intron variant.
Genome position (GRCh38, 1-based): chr4:659,037, C>T. VCF-style: chr4-659037-C-T. GRCh37 (hg19) VCF-style: chr4-652826-C-T.
Other names: c.1467+20C>T (NM_001145291.2); c.630+20C>T (NM_001379246.1, NM_001379247.1, NM_001145292.2 and 1 more transcripts); c.312+20C>T (NM_001350155.3).
Identifiers: ClinVar variation 138642 (VCV000138642.11), dbSNP rs74464382, ClinGen allele CA292717.